The following is an entry in ClinVar:

ClinVar aggregate classification (germline): Pathogenic/Likely pathogenic. Review status: criteria provided, multiple submitters, no conflicts (2 of 4 stars). 2 submissions from 2 submitters: Pathogenic (1); Likely pathogenic (1). Last evaluated 2025-03-10.

Conditions:
Primary hyperoxaluria, type II (HP2). Also called: D-GLYCERATE DEHYDROGENASE DEFICIENCY; GLYCERIC ACIDURIA; GLYOXYLATE REDUCTASE/HYDROXYPYRUVATE REDUCTASE DEFICIENCY; OXALOSIS II; Primary hyperoxaluria type 2. Identifiers: Orphanet 416, Orphanet 93599, MedGen C0268165, MONDO:0009824, OMIM 260000. Disease mechanism: loss of function.

Submissions (2):

Natera, Inc.
Classification: Likely pathogenic for Primary hyperoxaluria type II. Last evaluated: 2025-03-10. Review status: criteria provided, single submitter. Criteria: Natera Variant Classification Schema (03/2026). Collection method: clinical testing. Allele origin: germline.
Comment: The c.589del variant in GRHPR is a frameshift variant predicted to shift the reading frame beginning at codon 197 and leads to a stop codon 22 codons downstream. This variant is expected to result in nonsense mediated decay, truncation, or a dysfunctional protein product. This variant is rare in the general population with a frequency below the threshold expected for the associated phenotype(s). Given the available evidence, this variant is classified as Likely Pathogenic.

Labcorp Genetics (formerly Invitae), Labcorp
Classification: Pathogenic. Last evaluated: 2023-07-28. Review status: criteria provided, single submitter. Criteria: Invitae Variant Classification Sherloc (09022015). Collection method: clinical testing. Allele origin: germline.
Comment: For these reasons, this variant has been classified as Pathogenic. ClinVar contains an entry for this variant (Variation ID: 1069746). This variant has not been reported in the literature in individuals affected with GRHPR-related conditions. This variant is not present in population databases (gnomAD no frequency). This sequence change creates a premature translational stop signal (p.Ala197Glnfs*22) in the GRHPR gene. It is expected to result in an absent or disrupted protein product. Loss-of-function variants in GRHPR are known to be pathogenic (PMID: 25644115).

Literature cited by the submitters: PubMed 25644115 (cited by Labcorp Genetics (formerly Invitae), Labcorp).

NM_012203.2(GRHPR):c.589del (p.Ala197fs)

Gene: GRHPR (glyoxylate and hydroxypyruvate reductase; plus strand). Cytogenetic location: 9p13.2.
Variant type: Deletion.
Coding change: c.589del on transcript NM_012203.2 (MANE Select); coding-DNA position 589, one base deleted (G; older notation c.589delG).
Protein change: p.Ala197fs; shifts the reading frame from alanine 197.
Molecular consequence: frameshift variant.
Genome position (GRCh38, 1-based): chr9:37,429,827, G deleted; the last of 2 consecutive G bases (chr9:37,429,826-37,429,827); deleting either gives the same sequence. VCF-style (leftmost placement, unchanged base first): chr9-37429825-AG-A. GRCh37 (hg19) VCF-style: chr9-37429822-AG-A.
Other names: c.589del (NM_012203.1); short protein forms A197fs.
Identifiers: ClinVar variation 1069746 (VCV001069746.11), dbSNP rs1564300408, ClinGen allele CA918449506.